The following is an entry in ClinVar:

ClinVar aggregate classification (germline): Likely pathogenic. Review status: criteria provided, multiple submitters, no conflicts (2 of 4 stars). 2 submissions from 2 submitters: Likely pathogenic (2). Last evaluated 2023-06-01.

Conditions:
Nemaline myopathy 6 (NEM6). Also called: Nemaline myopathy 6, autosomal dominant. Identifiers: Orphanet 171439, MedGen C1836472, MONDO:0012237, OMIM 609273.

Submissions (2):

CeGaT Center for Human Genetics Tuebingen
Classification: Likely pathogenic. Last evaluated: 2023-06-01. Review status: criteria provided, single submitter. Criteria: CeGaT Center For Human Genetics Tuebingen Variant Classification Criteria Version 2. Collection method: clinical testing. Allele origin: germline. Affected: yes. Observed: 1 variant allele.
Comment: KBTBD13: PS1, PM2

MGZ Medical Genetics Center
Classification: Likely pathogenic for Nemaline myopathy 6. Last evaluated: 2022-02-03. Review status: criteria provided, single submitter. Criteria: ACMG Guidelines, 2015. Collection method: clinical testing. Allele origin: germline. Affected: yes. Observed: 1 variant allele.
Comment: ACMG criteria applied: PS1, PS4_MOD, PM1, PM2_SUP

NM_001101362.3(KBTBD13):c.1170G>T (p.Lys390Asn)

Gene: KBTBD13 (kelch repeat and BTB domain containing 13; plus strand). Cytogenetic location: 15q22.31.
Variant type: single nucleotide variant.
Coding change: c.1170G>T on transcript NM_001101362.3 (MANE Select); coding-DNA position 1170, G replaced by T.
Protein change: p.Lys390Asn; replaces lysine 390 with asparagine.
Molecular consequence: missense variant.
Genome position (GRCh38, 1-based): chr15:65,077,985, G>T. VCF-style: chr15-65077985-G-T. GRCh37 (hg19) VCF-style: chr15-65370323-G-T.
Other names: short protein forms K390N.
Identifiers: ClinVar variation 1709118 (VCV001709118.29), dbSNP rs1364598710, ClinGen allele CA392865667.